The following is an entry in ClinVar:

NM_000466.3(PEX1):c.1657C>A (p.Leu553Met)

Gene: PEX1 (peroxisomal biogenesis factor 1; minus strand). Cytogenetic location: 7q21.2.
Variant type: single nucleotide variant.
Coding change: c.1657C>A on transcript NM_000466.3 (MANE Select); coding-DNA position 1657, C replaced by A.
Protein change: p.Leu553Met; replaces leucine 553 with methionine.
Molecular consequence: missense variant.
Genome position (GRCh38, 1-based): chr7:92,509,342, G>T on the plus strand (C>A on the coding strand, the complement: PEX1 is on the minus strand). VCF-style: chr7-92509342-G-T. GRCh37 (hg19) VCF-style: chr7-92138656-G-T.
Other names: c.1657C>A, p.Leu553Met (NM_001282677.2); c.1033C>A, p.Leu345Met (NM_001282678.2); c.1657C>A (NM_000466.2); short protein forms L345M, L553M.
Identifiers: ClinVar variation 1971601 (VCV001971601.6), dbSNP rs1432487372, ClinGen allele CA368188247.

ClinVar aggregate classification (germline): Uncertain significance. Review status: criteria provided, single submitter (1 of 4 stars). 2 submissions from 2 submitters: Uncertain significance (1). 1 of the submissions does not count toward it. Last evaluated 2021-12-23.

Conditions:
Zellweger spectrum disorders (ZS). Also called: Zellweger Spectrum Disorder; Zellweger Spectrum; Zellweger Spectrum Disorder (ZSD); Zellweger syndrome. Identifiers: Orphanet 912, MedGen C0043459, MONDO:0019609.

Allele frequency attached by ClinVar (database versions not stated): gnomAD exomes below 0.00001.
gnomAD v4.1: 1 of 1,611,406 alleles (0.000062%); highest among the groups gnomAD compares: South Asian, 0.0011%; no homozygotes.

Submissions (2):

Labcorp Genetics (formerly Invitae), Labcorp
Classification: Uncertain significance for Zellweger spectrum disorders. Last evaluated: 2021-12-23. Review status: criteria provided, single submitter. Criteria: Invitae Variant Classification Sherloc (09022015). Collection method: clinical testing. Allele origin: germline.
Comment: In summary, the available evidence is currently insufficient to determine the role of this variant in disease. Therefore, it has been classified as a Variant of Uncertain Significance. Algorithms developed to predict the effect of missense changes on protein structure and function are either unavailable or do not agree on the potential impact of this missense change (SIFT: "Tolerated"; PolyPhen-2: "Probably Damaging"; Align-GVGD: "Class C0"). This variant has not been reported in the literature in individuals affected with PEX1-related conditions. This variant is present in population databases (no rsID available, gnomAD 0.003%). This sequence change replaces leucine, which is neutral and non-polar, with methionine, which is neutral and non-polar, at codon 553 of the PEX1 protein (p.Leu553Met).

Natera, Inc.
Classification: Uncertain significance for Zellweger syndrome. Last evaluated: 2025-04-21. Review status: no assertion criteria provided. Collection method: clinical testing. Allele origin: germline. Not counted in ClinVar's aggregate classification.